The following is an entry in ClinVar:

NM_001267550.2(TTN):c.82789G>A (p.Asp27597Asn)

Genes: TTN (titin; minus strand), TTN-AS1 (TTN antisense RNA 1; plus strand). Cytogenetic location: 2q31.2.
Variant type: single nucleotide variant.
Coding change: c.82789G>A on transcript NM_001267550.2 (MANE Select); coding-DNA position 82789, G replaced by A.
Protein change: p.Asp27597Asn; replaces aspartic acid 27597 with asparagine.
Molecular consequence: missense variant.
Genome position (GRCh38, 1-based): chr2:178,563,343, C>T on the plus strand (G>A on the coding strand, the complement: TTN is on the minus strand). VCF-style: chr2-178563343-C-T. GRCh37 (hg19) VCF-style: chr2-179428070-C-T.
Other names: c.77866G>A, p.Asp25956Asn (NM_001256850.1); c.55594G>A, p.Asp18532Asn (NM_003319.4); c.75085G>A, p.Asp25029Asn (NM_133378.4); c.55969G>A, p.Asp18657Asn (NM_133432.3); c.56170G>A, p.Asp18724Asn (NM_133437.4); short protein forms D18724N, D25029N, D25956N, D27597N, D18532N, D18657N.
Identifiers: ClinVar variation 4056010 (VCV004056010.1).

ClinVar aggregate classification (germline): Uncertain significance (1 of 4 stars; one submission).

Submission:

GeneDx
Classification: Uncertain significance. Last evaluated: 2025-01-06. Review status: criteria provided, single submitter. Criteria: GeneDx Variant Classification Process June 2021. Collection method: clinical testing. Allele origin: germline. Affected: yes.
Comment: Not observed at significant frequency in large population cohorts (gnomAD); Missense variant in a gene in which most reported pathogenic variants are truncating/loss of function; Has not been previously published as pathogenic or benign to our knowledge